The following is an entry in ClinVar:

NM_018706.7(DHTKD1):c.1386T>G (p.Tyr462Ter)

Gene: DHTKD1 (dehydrogenase E1 and transketolase domain containing 1; plus strand). Cytogenetic location: 10p14.
Variant type: single nucleotide variant.
Coding change: c.1386T>G on transcript NM_018706.7 (MANE Select); coding-DNA position 1386, T replaced by G.
Protein change: p.Tyr462Ter; replaces tyrosine 462 with a stop codon.
Molecular consequence: nonsense.
Genome position (GRCh38, 1-based): chr10:12,097,711, T>G. VCF-style: chr10-12097711-T-G. GRCh37 (hg19) VCF-style: chr10-12139710-T-G.
Other names: short protein forms Y462*.
Identifiers: ClinVar variation 523837 (VCV000523837.3), dbSNP rs1335731178, ClinGen allele CA376020573.

ClinVar aggregate classification (germline): Pathogenic/Likely pathogenic. Review status: criteria provided, multiple submitters, no conflicts (2 of 4 stars). 2 submissions from 2 submitters: Pathogenic (1); Likely pathogenic (1). Last evaluated 2025-09-10.

Conditions:
Charcot-Marie-Tooth disease axonal type 2Q. Also called: CHARCOT-MARIE-TOOTH NEUROPATHY, TYPE 2Q; CHARCOT-MARIE-TOOTH DISEASE, AXONAL, AUTOSOMAL DOMINANT, TYPE 2Q. Identifiers: Orphanet 329258, MedGen C3554366, MONDO:0014012, OMIM 615025.

Allele frequency attached by ClinVar (database versions not stated): gnomAD 0.00001.
gnomAD v4.1: 1 of 1,613,744 alleles (0.000062%); highest among the groups gnomAD compares: South Asian, 0.0011%; no homozygotes.

Submissions (2):

Genomic Medicine Center of Excellence, King Faisal Specialist Hospital and Research Centre
Classification: Pathogenic for Charcot-Marie-Tooth disease axonal type 2Q. Last evaluated: 2025-09-10. Review status: criteria provided, single submitter. Criteria: ACMG Guidelines, 2015. Collection method: clinical testing. Allele origin: germline.

GeneDx
Classification: Likely pathogenic. Last evaluated: 2018-03-23. Review status: criteria provided, single submitter. Criteria: GeneDx Variant Classification (06012015). Collection method: clinical testing. Allele origin: germline. Affected: yes.
Comment: The Y462X variant in the DHTKD1 gene has not been reported previously as a pathogenic variant nor as a benign variant, to our knowledge. This variant is predicted to cause loss of normal protein function either through protein truncation or nonsense-mediated mRNA decay. The Y462X variant is not observed in large population cohorts (Lek et al., 2016). We interpret Y462X as a likely pathogenic variant.